The following is an entry in ClinVar:

NM_005401.5(PTPN14):c.139C>T (p.Leu47=)

Gene: PTPN14 (protein tyrosine phosphatase non-receptor type 14; minus strand). Cytogenetic location: 1q41.
Variant type: single nucleotide variant.
Coding change: c.139C>T on transcript NM_005401.5 (MANE Select); coding-DNA position 139, C replaced by T.
Protein change: p.Leu47=; no amino-acid change (leucine 47 retained).
Molecular consequence: synonymous variant.
Genome position (GRCh38, 1-based): chr1:214,464,665, G>A on the plus strand (C>T on the coding strand, the complement: PTPN14 is on the minus strand). VCF-style: chr1-214464665-G-A. GRCh37 (hg19) VCF-style: chr1-214638008-G-A.
Identifiers: ClinVar variation 3029983 (VCV003029983.2), dbSNP rs572068380, ClinGen allele CA1389573.

ClinVar aggregate classification (germline): Likely benign (0 of 4 stars; one submission).

Conditions:
PTPN14-related disorder. Also called: PTPN14-related condition.

Allele frequency attached by ClinVar (database versions not stated): gnomAD 0.00001; gnomAD exomes 0.00002; ExAC 0.00004; 1000 Genomes Project 30x 0.00016; 1000 Genomes Project 0.00020.

Submission:

PreventionGenetics, part of Exact Sciences
Classification: Likely benign for PTPN14-related condition. Last evaluated: 2021-03-26. Review status: no assertion criteria provided. Collection method: clinical testing. Allele origin: germline.
Comment: This variant is classified as likely benign based on ACMG/AMP sequence variant interpretation guidelines (Richards et al. 2015 PMID: 25741868, with internal and published modifications).